The following is an entry in ClinVar:

NM_004984.4(KIF5A):c.890G>T (p.Arg297Leu)

Gene: KIF5A (kinesin family member 5A; plus strand). Cytogenetic location: 12q13.3.
Variant type: single nucleotide variant.
Coding change: c.890G>T on transcript NM_004984.4 (MANE Select); coding-DNA position 890, G replaced by T.
Protein change: p.Arg297Leu; replaces arginine 297 with leucine.
Molecular consequence: missense variant.
Genome position (GRCh38, 1-based): chr12:57,569,326, G>T. VCF-style: chr12-57569326-G-T. GRCh37 (hg19) VCF-style: chr12-57963109-G-T.
Other names: c.890G>T (NM_004984.2); c.623G>T, p.Arg208Leu (NM_001354705.2); short protein forms R208L, R297L.
Identifiers: ClinVar variation 2741692 (VCV002741692.4), dbSNP rs1404057685, ClinGen allele CA385500721.

ClinVar aggregate classification (germline): Uncertain significance. Review status: criteria provided, multiple submitters, no conflicts (2 of 4 stars). 2 submissions from 2 submitters: Uncertain significance (2). Last evaluated 2024-12-05.

Conditions:
Spastic paraplegia. Identifiers: MedGen C0037772, HP:0001258.

Submissions (2):

GeneDx
Classification: Uncertain significance. Last evaluated: 2024-12-05. Review status: criteria provided, single submitter. Criteria: GeneDx Variant Classification Process June 2021. Collection method: clinical testing. Allele origin: germline. Affected: yes.
Comment: Not observed at significant frequency in large population cohorts (gnomAD); In silico analysis supports that this missense variant has a deleterious effect on protein structure/function; Has not been previously published as pathogenic or benign to our knowledge

Labcorp Genetics (formerly Invitae), Labcorp
Classification: Uncertain significance for Spastic paraplegia. Last evaluated: 2022-10-26. Review status: criteria provided, single submitter. Criteria: Invitae Variant Classification Sherloc (09022015). Collection method: clinical testing. Allele origin: germline.
Comment: This sequence change replaces arginine, which is basic and polar, with leucine, which is neutral and non-polar, at codon 297 of the KIF5A protein (p.Arg297Leu). This variant is not present in population databases (gnomAD no frequency). This variant has not been reported in the literature in individuals affected with KIF5A-related conditions. Algorithms developed to predict the effect of missense changes on protein structure and function (SIFT, PolyPhen-2, Align-GVGD) all suggest that this variant is likely to be disruptive. In summary, the available evidence is currently insufficient to determine the role of this variant in disease. Therefore, it has been classified as a Variant of Uncertain Significance.